The following is an entry in ClinVar:

ClinVar aggregate classification (germline): Uncertain significance (1 of 4 stars; one submission).

gnomAD v4.1: 5 of 1,608,602 alleles (0.00031%); highest among the groups gnomAD compares: Non-Finnish European, 0.00042%; no homozygotes.

Submission:

GeneDx
Classification: Uncertain significance. Last evaluated: 2024-06-03. Review status: criteria provided, single submitter. Criteria: GeneDx Variant Classification Process June 2021. Collection method: clinical testing. Allele origin: germline. Affected: yes.
Comment: Not observed at significant frequency in large population cohorts (gnomAD); In silico analysis supports that this missense variant has a deleterious effect on protein structure/function; Has not been previously published as pathogenic or benign to our knowledge

NM_003097.6(SNRPN):c.328G>A (p.Ala110Thr)

Genes: SNHG14 (small nucleolar RNA host gene 14; plus strand), SNRPN (small nuclear ribonucleoprotein polypeptide N; plus strand), SNURF (SNRPN upstream open reading frame; plus strand). Cytogenetic location: 15q11.2.
Variant type: single nucleotide variant.
Coding change: c.328G>A on transcript NM_003097.6 (MANE Select); coding-DNA position 328, G replaced by A.
Protein change: p.Ala110Thr; replaces alanine 110 with threonine.
Molecular consequence: missense variant. On other transcripts: non-coding transcript variant (1), 3 prime UTR variant (1).
Genome position (GRCh38, 1-based): chr15:24,976,937, G>A. VCF-style: chr15-24976937-G-A. GRCh37 (hg19) VCF-style: chr15-25222084-G-A.
Other names: c.328G>A, p.Ala110Thr (NM_001349454.2, NM_001349455.2, NM_001349456.2 and 99 more transcripts); c.340G>A, p.Ala114Thr (NM_001378251.1, NM_001378252.1, NM_001378253.1 and 2 more transcripts); c.304G>A, p.Ala102Thr (NM_001378256.1, NM_001400767.1, NM_001378257.1); c.64G>A, p.Ala22Thr (NM_001400768.1); c.*516G>A (NM_005678.5); short protein forms A102T, A110T, A114T, A22T.
Identifiers: ClinVar variation 3384467 (VCV003384467.1).